The following is an entry in ClinVar:

NM_001003787.4(STRADA):c.947G>A (p.Arg316His)

Gene: STRADA (STE20 related adaptor alpha; minus strand). Cytogenetic location: 17q23.3.
Variant type: single nucleotide variant.
Coding change: c.947G>A on transcript NM_001003787.4 (MANE Select); coding-DNA position 947, G replaced by A.
Protein change: p.Arg316His; replaces arginine 316 with histidine.
Molecular consequence: missense variant. On other transcripts: non-coding transcript variant (1).
Genome position (GRCh38, 1-based): chr17:63,704,494, C>T on the plus strand (G>A on the coding strand, the complement: STRADA is on the minus strand). VCF-style: chr17-63704494-C-T. GRCh37 (hg19) VCF-style: chr17-61781854-C-T.
Other names: c.836G>A, p.Arg279His (NM_001003786.3, NM_001363789.1, NM_153335.6); c.773G>A, p.Arg258His (NM_001003788.3, NM_001363790.1, NM_001363791.1); c.860G>A, p.Arg287His (NM_001165969.2, NM_001363787.1); c.815G>A, p.Arg272His (NM_001165970.2); c.923G>A, p.Arg308His (NM_001363786.1); c.947G>A, p.Arg316His (NM_001363788.1); short protein forms R316H, R272H, R258H, R279H, R287H, R308H.
Identifiers: ClinVar variation 468890 (VCV000468890.8), dbSNP rs1305201887, ClinGen allele CA400588086.

ClinVar aggregate classification (germline): Uncertain significance (1 of 4 stars; one submission).

Conditions:
Polyhydramnios, megalencephaly, and symptomatic epilepsy (PMSE). Also called: PMSE SYNDROME. Identifiers: Orphanet 500533, MedGen C1970203, MONDO:0012611, OMIM 611087.

Allele frequency attached by ClinVar (database versions not stated): gnomAD exomes 0.00001 and 0.00002; TOPMed 0.00001; gnomAD 0.00001.
gnomAD v4.1: 27 of 1,611,906 alleles (0.0017%); highest among the groups gnomAD compares: Non-Finnish European, 0.0017%; no homozygotes.

Submission:

Labcorp Genetics (formerly Invitae), Labcorp
Classification: Uncertain significance for Polyhydramnios, megalencephaly, and symptomatic epilepsy. Last evaluated: 2024-01-19. Review status: criteria provided, single submitter. Criteria: Invitae Variant Classification Sherloc (09022015). Collection method: clinical testing. Allele origin: germline.
Comment: This sequence change replaces arginine, which is basic and polar, with histidine, which is basic and polar, at codon 316 of the STRADA protein (p.Arg316His). The frequency data for this variant in the population databases is considered unreliable, as metrics indicate poor data quality at this position in the gnomAD database. This variant has not been reported in the literature in individuals affected with STRADA-related conditions. ClinVar contains an entry for this variant (Variation ID: 468890). An algorithm developed to predict the effect of missense changes on protein structure and function (PolyPhen-2) suggests that this variant is likely to be tolerated. In summary, the available evidence is currently insufficient to determine the role of this variant in disease. Therefore, it has been classified as a Variant of Uncertain Significance.